The following is an entry in ClinVar:

NM_201384.3(PLEC):c.10636G>A (p.Ala3546Thr)

Gene: PLEC (plectin; minus strand). Cytogenetic location: 8q24.3.
Variant type: single nucleotide variant.
Coding change: c.10636G>A on transcript NM_201384.3 (MANE Select); coding-DNA position 10636, G replaced by A.
Protein change: p.Ala3546Thr; replaces alanine 3546 with threonine.
Molecular consequence: missense variant.
Genome position (GRCh38, 1-based): chr8:143,919,185, C>T on the plus strand (G>A on the coding strand, the complement: PLEC is on the minus strand). VCF-style: chr8-143919185-C-T. GRCh37 (hg19) VCF-style: chr8-144993353-C-T.
Other names: c.10570G>A, p.Ala3524Thr (NM_201379.3); c.11047G>A, p.Ala3683Thr (NM_201380.4); c.10540G>A, p.Ala3514Thr (NM_201381.3); c.10636G>A, p.Ala3546Thr (NM_201382.4); c.10648G>A, p.Ala3550Thr (NM_201383.3); c.10717G>A, p.Ala3573Thr (NM_000445.5); c.7336G>A, p.Ala2446Thr (NM_001410941.1); c.10594G>A, p.Ala3532Thr (NM_201378.4); short protein forms A2446T, A3514T, A3546T, A3573T, A3524T, A3683T, A3532T, A3550T.
Identifiers: ClinVar variation 2259146 (VCV002259146.5), dbSNP rs1166252237, ClinGen allele CA372497312.

ClinVar aggregate classification (germline): Uncertain significance. Review status: criteria provided, multiple submitters, no conflicts (2 of 4 stars). 2 submissions from 2 submitters: Uncertain significance (2). Last evaluated 2023-07-07.

Conditions:
Inborn genetic diseases. Identifiers: MedGen C0950123, MeSH D030342.
Epidermolysis bullosa simplex 5B, with muscular dystrophy (EBS5B). Also called: Epidermolysis bullosa simplex with muscular dystrophy; EPIDERMOLYSIS BULLOSA SIMPLEX AND LIMB-GIRDLE MUSCULAR DYSTROPHY. Identifiers: Orphanet 257, MedGen C2931072, MONDO:0009181, OMIM 226670.
Epidermolysis bullosa simplex, Ogna type (EBS5A). Also called: EPIDERMOLYSIS BULLOSA SIMPLEX 5A, OGNA TYPE; Pidermolysis bullosa simplex 5A, Ogna type. Identifiers: Orphanet 79401, MedGen C0432317, MONDO:0007555, OMIM 131950.
Epidermolysis bullosa simplex 5C, with pyloric atresia (EBS5C). Also called: PLEC-Related Epidermolysis Bullosa with Pyloric Atresia; Epidermolysis bullosa simplex with pyloric atresia; PLEC1-Related Epidermolysis Bullosa with Pyloric Atresia. Identifiers: Orphanet 158684, MedGen C2677349, MONDO:0012807, OMIM 612138.
Autosomal recessive limb-girdle muscular dystrophy type 2Q (LGMDR17). Also called: MUSCULAR DYSTROPHY, LIMB-GIRDLE, AUTOSOMAL RECESSIVE 17. Identifiers: Orphanet 254361, MedGen C3150989, MONDO:0013390, OMIM 613723.
Epidermolysis bullosa simplex with nail dystrophy (EBS5D). Identifiers: MedGen C4225309, MONDO:0014661, OMIM 616487.

Allele frequency attached by ClinVar (database versions not stated): gnomAD exomes below 0.00001; gnomAD 0.00003; TOPMed 0.00003.
gnomAD v4.1: 7 of 1,613,756 alleles (0.00043%); highest among the groups gnomAD compares: African/African-American, 0.008%; no homozygotes.

Submissions (2):

Labcorp Genetics (formerly Invitae), Labcorp
Classification: Uncertain significance for Autosomal recessive limb-girdle muscular dystrophy type 2Q; Epidermolysis bullosa simplex, Ogna type; Epidermolysis bullosa simplex with nail dystrophy; Epidermolysis bullosa simplex 5C, with pyloric atresia; Epidermolysis bullosa simplex 5B, with muscular dystrophy. Last evaluated: 2023-07-07. Review status: criteria provided, single submitter. Criteria: Invitae Variant Classification Sherloc (09022015). Collection method: clinical testing. Allele origin: germline.
Comment: In summary, the available evidence is currently insufficient to determine the role of this variant in disease. Therefore, it has been classified as a Variant of Uncertain Significance. An algorithm developed to predict the effect of missense changes on protein structure and function (PolyPhen-2) suggests that this variant is likely to be disruptive. ClinVar contains an entry for this variant (Variation ID: 2259146). This variant has not been reported in the literature in individuals affected with PLEC-related conditions. This variant is present in population databases (no rsID available, gnomAD 0.02%). This sequence change replaces alanine, which is neutral and non-polar, with threonine, which is neutral and polar, at codon 3573 of the PLEC protein (p.Ala3573Thr).

Ambry Genetics
Classification: Uncertain significance for Inborn genetic diseases. Last evaluated: 2021-11-08. Review status: criteria provided, single submitter. Criteria: Ambry Variant Classification Scheme 2023. Collection method: clinical testing. Allele origin: germline.